The following is an entry in ClinVar:

ClinVar aggregate classification (germline): Uncertain significance (1 of 4 stars; one submission).

Conditions:
Werner syndrome (WRN). Identifiers: Orphanet 902, MedGen C0043119, MONDO:0010196, OMIM 277700.

Allele frequency attached by ClinVar (database versions not stated): gnomAD exomes below 0.00001.
gnomAD v4.1: 2 of 1,614,098 alleles (0.00012%); highest among the groups gnomAD compares: African/African-American, 0.0013%; no homozygotes.

Submission:

Labcorp Genetics (formerly Invitae), Labcorp
Classification: Uncertain significance for Werner syndrome. Last evaluated: 2024-01-31. Review status: criteria provided, single submitter. Criteria: Invitae Variant Classification Sherloc (09022015). Collection method: clinical testing. Allele origin: germline.
Comment: This sequence change replaces histidine, which is basic and polar, with tyrosine, which is neutral and polar, at codon 1290 of the WRN protein (p.His1290Tyr). This variant is present in population databases (no rsID available, gnomAD 0.007%). This variant has not been reported in the literature in individuals affected with WRN-related conditions. ClinVar contains an entry for this variant (Variation ID: 940728). An algorithm developed to predict the effect of missense changes on protein structure and function (PolyPhen-2) suggests that this variant is likely to be disruptive. In summary, the available evidence is currently insufficient to determine the role of this variant in disease. Therefore, it has been classified as a Variant of Uncertain Significance.

NM_000553.6(WRN):c.3868C>T (p.His1290Tyr)

Gene: WRN (WRN RecQ like helicase; plus strand). Cytogenetic location: 8p12.
Variant type: single nucleotide variant.
Coding change: c.3868C>T on transcript NM_000553.6 (MANE Select); coding-DNA position 3868, C replaced by T.
Protein change: p.His1290Tyr; replaces histidine 1290 with tyrosine.
Molecular consequence: missense variant.
Genome position (GRCh38, 1-based): chr8:31,157,416, C>T. VCF-style: chr8-31157416-C-T. GRCh37 (hg19) VCF-style: chr8-31014932-C-T.
Other names: short protein forms H1290Y.
Identifiers: ClinVar variation 940728 (VCV000940728.5), dbSNP rs1474988209, ClinGen allele CA370929377.